The following is an entry in ClinVar:

NM_001042492.3(NF1):c.4333-5T>G

Gene: NF1 (neurofibromin 1; plus strand). Cytogenetic location: 17q11.2.
Variant type: single nucleotide variant.
Coding change: c.4333-5T>G on transcript NM_001042492.3 (MANE Select); 5 bases into the intron before coding-DNA position 4333, T replaced by G.
Molecular consequence: intron variant.
Genome position (GRCh38, 1-based): chr17:31,259,027, T>G. VCF-style: chr17-31259027-T-G. GRCh37 (hg19) VCF-style: chr17-29586045-T-G.
Other names: c.4270-5T>G (NM_000267.4).
Identifiers: ClinVar variation 1467184 (VCV001467184.9), dbSNP rs1455774859, ClinGen allele CA625476043.
Genomic context (GRCh38, chr17:31,259,027, plus strand): 5'-GTCTTAATGTATAGACTTCATACAATAAATAATCTGATTATTTATAACCCTGTTTTATTG[T>G]GTAGATACTTCAGAGTATTGCCAATCATGTTCTCTTCACAAAAGAAGAACATATGCGGCC-3'

ClinVar aggregate classification (germline): Conflicting classifications of pathogenicity. Review status: criteria provided, conflicting classifications (1 of 4 stars). 2 submissions from 2 submitters: Uncertain significance (1); Likely benign (1). Last evaluated 2025-12-01.

Conditions:
Cardiovascular phenotype. Identifiers: MedGen CN230736.
Hereditary cancer-predisposing syndrome. Also called: Neoplastic Syndromes, Hereditary; Hereditary Cancer Syndrome; Tumor predisposition; Hereditary neoplastic syndrome. Identifiers: Orphanet 140162, MedGen C0027672, MeSH D009386, MONDO:0015356.
Neurofibromatosis, type 1 (NF1). Also called: NEUROFIBROMATOSIS, TYPE I, SOMATIC; VON RECKLINGHAUSEN DISEASE; Peripheral type neurofibromatosis; Neurofibromatosis, type I. Identifiers: Orphanet 636, MedGen C0027831, MONDO:0018975, OMIM 162200. Disease mechanism: loss of function.

Allele frequency attached by ClinVar (database versions not stated): gnomAD exomes below 0.00001.
gnomAD v4.1: 4 of 1,559,010 alleles (0.00026%); highest among the groups gnomAD compares: East Asian, 0.0068%; no homozygotes.

Submissions (2):

Ambry Genetics
Classification: Uncertain significance for Cardiovascular phenotype; Hereditary cancer-predisposing syndrome. Last evaluated: 2025-12-01. Review status: criteria provided, single submitter. Criteria: Ambry Variant Classification Scheme 2023. Collection method: clinical testing. Allele origin: germline.
Comment: The c.4270-5T>G intronic variant results from a T to G substitution 5 nucleotides upstream from coding exon 32 in the NF1 gene. This nucleotide position is well conserved in available vertebrate species. In silico splice site analysis predicts that this alteration will not have any significant effect on splicing. Based on the available evidence, the clinical significance of this variant remains unclear.

Labcorp Genetics (formerly Invitae), Labcorp
Classification: Likely benign for Neurofibromatosis, type 1. Last evaluated: 2025-07-31. Review status: criteria provided, single submitter. Criteria: Invitae Variant Classification Sherloc (09022015). Collection method: clinical testing. Allele origin: germline.